The following is an entry in ClinVar:

ClinVar aggregate classification (germline): Uncertain significance (1 of 4 stars; one submission).

Conditions:
Inborn genetic diseases. Identifiers: MedGen C0950123, MeSH D030342.

Allele frequency attached by ClinVar (database versions not stated): gnomAD exomes below 0.00001.
gnomAD v4.1: 1 of 1,604,174 alleles (0.000062%); highest among the groups gnomAD compares: Non-Finnish European, 0.000085%; no homozygotes.

Submission:

Ambry Genetics
Classification: Uncertain significance for Inborn genetic diseases. Last evaluated: 2023-07-01. Review status: criteria provided, single submitter. Criteria: Ambry Variant Classification Scheme 2023. Collection method: clinical testing. Allele origin: germline.
Comment: The p.E2527K variant (also known as c.7579G>A), located in coding exon 51 of the LRRK2 gene, results from a G to A substitution at nucleotide position 7579. The glutamic acid at codon 2527 is replaced by lysine, an amino acid with similar properties. This amino acid position is conserved. In addition, the in silico prediction for this alteration is inconclusive. Since supporting evidence is limited at this time, the clinical significance of this alteration remains unclear.

NM_198578.4(LRRK2):c.7579G>A (p.Glu2527Lys)

Gene: LRRK2 (leucine rich repeat kinase 2; plus strand). Cytogenetic location: 12q12.
Variant type: single nucleotide variant.
Coding change: c.7579G>A on transcript NM_198578.4 (MANE Select); coding-DNA position 7579, G replaced by A.
Protein change: p.Glu2527Lys; replaces glutamic acid 2527 with lysine.
Molecular consequence: missense variant.
Genome position (GRCh38, 1-based): chr12:40,367,760, G>A. VCF-style: chr12-40367760-G-A. GRCh37 (hg19) VCF-style: chr12-40761562-G-A.
Other names: short protein forms E2527K.
Identifiers: ClinVar variation 2587246 (VCV002587246.2), dbSNP rs1946924464, ClinGen allele CA384416274.